The following is an entry in ClinVar:

NM_000541.5(SAG):c.520G>A (p.Val174Met)

Gene: SAG (S-antigen visual arrestin; plus strand). Cytogenetic location: 2q37.1.
Variant type: single nucleotide variant.
Coding change: c.520G>A on transcript NM_000541.5 (MANE Select); coding-DNA position 520, G replaced by A.
Protein change: p.Val174Met; replaces valine 174 with methionine.
Molecular consequence: missense variant.
Genome position (GRCh38, 1-based): chr2:233,328,485, G>A. VCF-style: chr2-233328485-G-A. GRCh37 (hg19) VCF-style: chr2-234237131-G-A.
Other names: short protein forms V174M.
Identifiers: ClinVar variation 1019400 (VCV001019400.9), dbSNP rs772813963, ClinGen allele CA2174428.
Genomic context (GRCh38, chr2:233,328,485, plus strand): 5'-CCTAAAGCGGCCTGGGTGCCAATCCCTGGCTTGTCTGTGGCTGTTTCCCACAGGAGCTCC[G>A]TGCGATTACTGATCCGCAAAGTACAGCATGCCCCACTTGAGATGGGTCCCCAGCCCCGAG-3'
Protein context (NP_000532.2, residues 164-184): EEDKIPKKSS[Val174Met]RLLIRKVQHA

ClinVar aggregate classification (germline): Uncertain significance. Review status: criteria provided, multiple submitters, no conflicts (2 of 4 stars). 2 submissions from 2 submitters: Uncertain significance (2). Last evaluated 2022-08-31.

Allele frequency attached by ClinVar (database versions not stated): gnomAD below 0.00001 and 0.00001; gnomAD exomes 0.00001 and 0.00002; ExAC 0.00002.
gnomAD v4.1: 12 of 1,613,124 alleles (0.00074%); highest among the groups gnomAD compares: South Asian, 0.0044%; no homozygotes.

Submissions (2):

Labcorp Genetics (formerly Invitae), Labcorp
Classification: Uncertain significance. Last evaluated: 2022-08-31. Review status: criteria provided, single submitter. Criteria: Invitae Variant Classification Sherloc (09022015). Collection method: clinical testing. Allele origin: germline.
Comment: This variant is present in population databases (rs772813963, gnomAD 0.01%). This sequence change replaces valine, which is neutral and non-polar, with methionine, which is neutral and non-polar, at codon 174 of the SAG protein (p.Val174Met). Algorithms developed to predict the effect of missense changes on protein structure and function are either unavailable or do not agree on the potential impact of this missense change (SIFT: "Deleterious"; PolyPhen-2: "Probably Damaging"; Align-GVGD: "Class C0"). In summary, the available evidence is currently insufficient to determine the role of this variant in disease. Therefore, it has been classified as a Variant of Uncertain Significance. ClinVar contains an entry for this variant (Variation ID: 1019400). This variant has not been reported in the literature in individuals affected with SAG-related conditions.

Blueprint Genetics
Classification: Uncertain significance. Last evaluated: 2020-11-10. Review status: criteria provided, single submitter. Criteria: ACMG Guidelines, 2015. Collection method: clinical testing. Allele origin: germline.